The following is an entry in ClinVar:

NM_005726.6(TSFM):c.257C>T (p.Ala86Val)

Gene: TSFM (Ts translation elongation factor, mitochondrial; plus strand). Cytogenetic location: 12q14.1.
Variant type: single nucleotide variant.
Coding change: c.257C>T on transcript NM_005726.6 (MANE Select); coding-DNA position 257, C replaced by T.
Protein change: p.Ala86Val; replaces alanine 86 with valine.
Molecular consequence: missense variant.
Genome position (GRCh38, 1-based): chr12:57,786,188, C>T. VCF-style: chr12-57786188-C-T. GRCh37 (hg19) VCF-style: chr12-58179971-C-T.
Other names: c.257C>T, p.Ala86Val (NM_001172695.2, NM_001172696.2, NM_001172697.2); short protein forms A86V.
Identifiers: ClinVar variation 1936280 (VCV001936280.3), dbSNP rs2540949127, ClinGen allele CA385525145.

ClinVar aggregate classification (germline): Uncertain significance (1 of 4 stars; one submission).

Allele frequency attached by ClinVar (database versions not stated): gnomAD exomes below 0.00001.

Submission:

Labcorp Genetics (formerly Invitae), Labcorp
Classification: Uncertain significance. Last evaluated: 2023-08-10. Review status: criteria provided, single submitter. Criteria: Invitae Variant Classification Sherloc (09022015). Collection method: clinical testing. Allele origin: germline.
Comment: In summary, the available evidence is currently insufficient to determine the role of this variant in disease. Therefore, it has been classified as a Variant of Uncertain Significance. An algorithm developed to predict the effect of missense changes on protein structure and function (PolyPhen-2) suggests that this variant is likely to be disruptive. This sequence change replaces alanine, which is neutral and non-polar, with valine, which is neutral and non-polar, at codon 86 of the TSFM protein (p.Ala86Val). ClinVar contains an entry for this variant (Variation ID: 1936280). This variant has not been reported in the literature in individuals affected with TSFM-related conditions. This variant is not present in population databases (gnomAD no frequency).